The following is an entry in ClinVar:

ClinVar aggregate classification (germline): Uncertain significance. Review status: criteria provided, multiple submitters, no conflicts (2 of 4 stars). 2 submissions from 2 submitters: Uncertain significance (2). Last evaluated 2024-06-17.

Conditions:
Retinitis pigmentosa 12 (RP12). Also called: RP WITH OR WITHOUT PPRPE; RP WITH OR WITHOUT PRESERVED PARAARTERIOLE RETINAL PIGMENT EPITHELIUM; RETINITIS PIGMENTOSA WITH OR WITHOUT PARAARTERIOLAR PRESERVATION OF RETINAL PIGMENT EPITHELIUM. Identifiers: Orphanet 791, MedGen C1838647, MONDO:0010818, OMIM 600105.
Leber congenital amaurosis 8 (LCA8). Identifiers: Orphanet 65, MedGen C3151202, MONDO:0013453, OMIM 613835.

Allele frequency attached by ClinVar (database versions not stated): TOPMed 0.00002; ExAC 0.00003.
gnomAD v4.1: 3 of 1,613,974 alleles (0.00019%); highest among the groups gnomAD compares: East Asian, 0.0067%; no homozygotes.

Submissions (2):

Blueprint Genetics
Classification: Uncertain significance. Last evaluated: 2024-06-17. Review status: criteria provided, single submitter. Criteria: ACMG Guidelines, 2015. Collection method: clinical testing. Allele origin: germline.

Labcorp Genetics (formerly Invitae), Labcorp
Classification: Uncertain significance for Leber congenital amaurosis 8; Retinitis pigmentosa 12. Last evaluated: 2022-06-07. Review status: criteria provided, single submitter. Criteria: Invitae Variant Classification Sherloc (09022015). Collection method: clinical testing. Allele origin: germline.
Comment: This sequence change replaces serine, which is neutral and polar, with phenylalanine, which is neutral and non-polar, at codon 820 of the CRB1 protein (p.Ser820Phe). This variant is present in population databases (rs762823359, gnomAD 0.02%). This variant has not been reported in the literature in individuals affected with CRB1-related conditions. Advanced modeling of protein sequence and biophysical properties (such as structural, functional, and spatial information, amino acid conservation, physicochemical variation, residue mobility, and thermodynamic stability) performed at Invitae indicates that this missense variant is not expected to disrupt CRB1 protein function. In summary, the available evidence is currently insufficient to determine the role of this variant in disease. Therefore, it has been classified as a Variant of Uncertain Significance.

NM_201253.3(CRB1):c.2459C>T (p.Ser820Phe)

Gene: CRB1 (crumbs cell polarity complex component 1; plus strand). Cytogenetic location: 1q31.3.
Variant type: single nucleotide variant.
Coding change: c.2459C>T on transcript NM_201253.3 (MANE Select); coding-DNA position 2459, C replaced by T.
Protein change: p.Ser820Phe; replaces serine 820 with phenylalanine.
Molecular consequence: missense variant. On other transcripts: non-coding transcript variant (2), intron variant (1).
Genome position (GRCh38, 1-based): chr1:197,427,784, C>T. VCF-style: chr1-197427784-C-T. GRCh37 (hg19) VCF-style: chr1-197396914-C-T.
Other names: c.2123C>T, p.Ser708Phe (NM_001193640.2); c.2252C>T, p.Ser751Phe (NM_001257965.2); c.2128+5828C>T (NM_001257966.2); short protein forms S708F, S751F, S820F.
Identifiers: ClinVar variation 2070099 (VCV002070099.2), dbSNP rs762823359, ClinGen allele CA1312122.